The following is an entry in ClinVar:

ClinVar aggregate classification (germline): Uncertain significance (1 of 4 stars; one submission).

Submission:

GeneDx
Classification: Uncertain significance. Last evaluated: 2026-03-03. Review status: criteria provided, single submitter. Criteria: GeneDx Variant Classification Process June 2021. Collection method: clinical testing. Allele origin: germline.
Comment: Not observed at significant frequency in large population cohorts (gnomAD); In silico analysis supports that this missense variant has a deleterious effect on protein structure/function; Has not been previously published as pathogenic or benign to our knowledge

NM_000540.3(RYR1):c.3629T>C (p.Leu1210Pro)

Gene: RYR1 (ryanodine receptor 1; plus strand). Cytogenetic location: 19q13.2.
Variant type: single nucleotide variant.
Coding change: c.3629T>C on transcript NM_000540.3 (MANE Select); coding-DNA position 3629, T replaced by C.
Protein change: p.Leu1210Pro; replaces leucine 1210 with proline.
Molecular consequence: missense variant.
Genome position (GRCh38, 1-based): chr19:38,469,377, T>C. VCF-style: chr19-38469377-T-C. GRCh37 (hg19) VCF-style: chr19-38960017-T-C.
Other names: c.3629T>C, p.Leu1210Pro (NM_001042723.2); short protein forms L1210P.
Identifiers: ClinVar variation 5008050 (VCV005008050.1).
Genomic context (GRCh38, chr19:38,469,377, plus strand): 5'-TCTGCAGCTTGGGACCTGGCCAGGTGGGTCATCTGAACCTGGGCCAGGACGTGAGCTCTC[T>C]GAGGTTCTTTGCCATCTGTGGCCTCCAGGAAGGCTTCGAGCCATTTGCCATCAACATGCA-3'
Protein context (NP_000531.2, residues 1200-1220): HLNLGQDVSS[Leu1210Pro]RFFAICGLQE